The following is an entry in ClinVar:

NM_006420.3(ARFGEF2):c.3758-262A>G

Gene: ARFGEF2 (ARF guanine nucleotide exchange factor 2; plus strand). Cytogenetic location: 20q13.13.
Variant type: single nucleotide variant.
Coding change: c.3758-262A>G on transcript NM_006420.3 (MANE Select); 262 bases into the intron before coding-DNA position 3758, A replaced by G.
Molecular consequence: intron variant.
Genome position (GRCh38, 1-based): chr20:49,011,662, A>G. VCF-style: chr20-49011662-A-G. GRCh37 (hg19) VCF-style: chr20-47628199-A-G.
Identifiers: ClinVar variation 667992 (VCV000667992.1), dbSNP rs2273530, ClinGen allele CA14821471.
Genomic context (GRCh38, chr20:49,011,662, plus strand): 5'-TCATCTCTATGGAAATTTTTAGGCATCGAGTTATCTTTGCACATAGTTGGCGTTCAATAA[A>G]TGAATGAATTGATATTTGGGCCTTTACATCATTGCTTGAGCGCAGGAAGACTGTCTAGCC-3'

ClinVar aggregate classification (germline): Benign (1 of 4 stars; one submission).

Allele frequency attached by ClinVar (database versions not stated): gnomAD 0.10834 and 0.10986; TOPMed 0.11248; 1000 Genomes Project 0.12640; 1000 Genomes Project 30x 0.12820.
gnomAD v4.1: 16,404 of 152,288 alleles (11%); highest among the groups gnomAD compares: African/African-American, 22%; 1,259 homozygotes.

Submission:

GeneDx
Classification: Benign. Last evaluated: 2018-06-14. Review status: criteria provided, single submitter. Criteria: GeneDx Variant Classification (06012015). Collection method: clinical testing. Allele origin: germline. Affected: yes.
Comment: This variant is considered likely benign or benign based on one or more of the following criteria: it is a conservative change, it occurs at a poorly conserved position in the protein, it is predicted to be benign by multiple in silico algorithms, and/or has population frequency not consistent with disease.